The following is an entry in ClinVar:

NM_001319206.4(MEF2A):c.830C>T (p.Pro277Leu)

Gene: MEF2A (myocyte enhancer factor 2A; plus strand). Cytogenetic location: 15q26.3.
Variant type: single nucleotide variant.
Coding change: c.830C>T on transcript NM_001319206.4 (MANE Select); coding-DNA position 830, C replaced by T.
Protein change: p.Pro277Leu; replaces proline 277 with leucine.
Molecular consequence: missense variant. On other transcripts: intron variant (2).
Genome position (GRCh38, 1-based): chr15:99,690,400, C>T. VCF-style: chr15-99690400-C-T. GRCh37 (hg19) VCF-style: chr15-100230605-C-T.
Other names: c.830C>T, p.Pro277Leu (NM_001130926.5, NM_001171894.5, NM_001352614.4 and 4 more transcripts); c.626C>T, p.Pro209Leu (NM_001130927.5, NM_001130928.4, NM_001365209.3 and 1 more transcripts); c.836C>T, p.Pro279Leu (NM_001352617.4, NM_001365203.3, NM_001365204.3 and 2 more transcripts); c.848C>T, p.Pro283Leu (NM_001352618.4, NM_001365201.3, NM_001365202.3 and 1 more transcripts); c.632C>T, p.Pro211Leu (NM_001393558.2); c.670+14942C>T (NM_001393560.2); c.55-16329C>T (NM_001393561.3); short protein forms P279L, P277L, P283L, P209L, P211L.
Identifiers: ClinVar variation 8949 (VCV000008949.2), dbSNP rs121918529, ClinGen allele CA120015.

ClinVar aggregate classification (germline): Pathogenic. Review status: criteria provided, single submitter (1 of 4 stars). 2 submissions from 2 submitters: Pathogenic (1). 1 of the submissions does not count toward it. Last evaluated 2024-04-09.

Conditions:
Coronary artery disease, autosomal dominant, 1 (ADCAD1). Also called: CORONARY ARTERY DISEASE WITH MYOCARDIAL INFARCTION. Identifiers: MedGen C1842247, MONDO:0012011, OMIM 608320.
Coronary artery disease/myocardial infarction.

Allele frequency attached by ClinVar (database versions not stated): gnomAD exomes 0.00061 and 0.00101; gnomAD 0.00065 and 0.00066; TOPMed 0.00077; 1000 Genomes Project 30x 0.00094; ExAC 0.00078; 1000 Genomes Project 0.00080.
gnomAD v4.1: 1,557 of 1,604,264 alleles (0.097%); highest among the groups gnomAD compares: Non-Finnish European, 0.12%; 2 homozygotes.

Submissions (2):

Human Genetics Bochum, Ruhr University Bochum
Classification: Pathogenic for Coronary artery disease, autosomal dominant, 1. Last evaluated: 2024-04-09. Review status: criteria provided, single submitter. Criteria: ACMG Guidelines, 2015. Collection method: clinical testing. Allele origin: germline. Affected: yes.
Comment: ACMG criteria used to clasify this variant: PS3, PS4, PM1

OMIM
Classification: Pathogenic for CORONARY ARTERY DISEASE/MYOCARDIAL INFARCTION. Last evaluated: 2006-02-01. Review status: no assertion criteria provided. Collection method: literature only. Allele origin: germline. Not counted in ClinVar's aggregate classification.

Literature cited by the submitters: PubMed 15496429 (cited by Human Genetics Bochum, Ruhr University Bochum and OMIM); PubMed 15598500 (cited by Human Genetics Bochum, Ruhr University Bochum); PubMed 34691145 (cited by Human Genetics Bochum, Ruhr University Bochum); PubMed 15958500 (cited by OMIM).